The following is an entry in ClinVar:

NM_001242957.3(MAK):c.1163G>C (p.Ser388Thr)

Gene: MAK (male germ cell associated kinase; minus strand). Cytogenetic location: 6p24.2.
Variant type: single nucleotide variant.
Coding change: c.1163G>C on transcript NM_001242957.3 (MANE Select); coding-DNA position 1163, G replaced by C.
Protein change: p.Ser388Thr; replaces serine 388 with threonine.
Molecular consequence: missense variant. On other transcripts: non-coding transcript variant (2).
Genome position (GRCh38, 1-based): chr6:10,791,828, C>G on the plus strand (G>C on the coding strand, the complement: MAK is on the minus strand). VCF-style: chr6-10791828-C-G. GRCh37 (hg19) VCF-style: chr6-10792061-C-G.
Other names: c.1163G>C, p.Ser388Thr (NM_001242385.2, NM_005906.6); c.1061G>C, p.Ser354Thr (NM_001377262.1); c.1163G>C (NM_005906.4); short protein forms S388T, S354T.
Identifiers: ClinVar variation 1464627 (VCV001464627.7), dbSNP rs755195964, ClinGen allele CA3633523.

ClinVar aggregate classification (germline): Uncertain significance. Review status: criteria provided, multiple submitters, no conflicts (2 of 4 stars). 2 submissions from 2 submitters: Uncertain significance (2). Last evaluated 2024-12-03.

Conditions:
Inborn genetic diseases. Identifiers: MedGen C0950123, MeSH D030342.

Allele frequency attached by ClinVar (database versions not stated): gnomAD exomes below 0.00001 and 0.00001; ExAC 0.00001; gnomAD 0.00001.
gnomAD v4.1: 3 of 1,614,046 alleles (0.00019%); highest among the groups gnomAD compares: African/African-American, 0.004%; no homozygotes.

Submissions (2):

Ambry Genetics
Classification: Uncertain significance for Inborn genetic diseases. Last evaluated: 2024-12-03. Review status: criteria provided, single submitter. Criteria: Ambry Variant Classification Scheme 2023. Collection method: clinical testing. Allele origin: germline.

Labcorp Genetics (formerly Invitae), Labcorp
Classification: Uncertain significance. Last evaluated: 2022-09-26. Review status: criteria provided, single submitter. Criteria: Invitae Variant Classification Sherloc (09022015). Collection method: clinical testing. Allele origin: germline.
Comment: In summary, the available evidence is currently insufficient to determine the role of this variant in disease. Therefore, it has been classified as a Variant of Uncertain Significance. Advanced modeling of protein sequence and biophysical properties (such as structural, functional, and spatial information, amino acid conservation, physicochemical variation, residue mobility, and thermodynamic stability) performed at Invitae indicates that this missense variant is not expected to disrupt MAK protein function. ClinVar contains an entry for this variant (Variation ID: 1464627). This variant has not been reported in the literature in individuals affected with MAK-related conditions. This variant is present in population databases (rs755195964, gnomAD 0.01%). This sequence change replaces serine, which is neutral and polar, with threonine, which is neutral and polar, at codon 388 of the MAK protein (p.Ser388Thr).